The following is an entry in ClinVar:

NC_000020.11:g.44355626_44355638del

Gene: HNF4A (hepatocyte nuclear factor 4 alpha; plus strand). Cytogenetic location: 20q13.12.
Variant type: Deletion.
Genome position: GRCh38 VCF-style: chr20-44355623-GGTTACTCTTTAAC-G. GRCh37 (hg19) VCF-style: chr20-42984263-GGTTACTCTTTAAC-G.
Identifiers: ClinVar variation 1691803 (VCV001691803.3), dbSNP rs2146126980, ClinGen allele CA2573157135.

ClinVar aggregate classification (germline): Uncertain significance (1 of 4 stars; one submission).

Submission:

GeneDx
Classification: Uncertain significance. Last evaluated: 2021-12-20. Review status: criteria provided, single submitter. Criteria: GeneDx Variant Classification Process June 2021. Collection method: clinical testing. Allele origin: germline. Affected: yes.
Comment: Located in the 5'UTR in the conserved P2 promoter region and overlaps with the HNF1 binding site (Wirsing et al., 2010); in the absence of functional studies the effect of this sequence change is unknown; No data available from control populations to assess the frequency of this variant; Has not been previously published as pathogenic or benign to our knowledge; This variant is associated with the following publications: (PMID: 20546279)